The following is an entry in ClinVar:

NM_001199107.2(TBC1D24):c.377C>T (p.Pro126Leu)

Gene: TBC1D24 (TBC1 domain family member 24; plus strand). Cytogenetic location: 16p13.3.
Variant type: single nucleotide variant.
Coding change: c.377C>T on transcript NM_001199107.2 (MANE Select); coding-DNA position 377, C replaced by T.
Protein change: p.Pro126Leu; replaces proline 126 with leucine.
Molecular consequence: missense variant.
Genome position (GRCh38, 1-based): chr16:2,496,525, C>T. VCF-style: chr16-2496525-C-T. GRCh37 (hg19) VCF-style: chr16-2546526-C-T.
Other names: c.377C>T, p.Pro126Leu (NM_020705.3); short protein forms P126L.
Identifiers: ClinVar variation 3774314 (VCV003774314.1).
Genomic context (GRCh38, chr16:2,496,525, plus strand): 5'-TGAATGCACGCGGCGAGGGGGCCGTGCGCAAGATCCTCCTGTGCCTGGCCAACCAGTTCC[C>T]CGACATCTCCTTCTGCCCCGCCCTGCCGGCCGTGGTGGCCCTGCTGCTGCACTACAGCAT-3'
Protein context (NP_001186036.1, residues 116-136): KILLCLANQF[Pro126Leu]DISFCPALPA

ClinVar aggregate classification (germline): Uncertain significance (1 of 4 stars; one submission).

Conditions:
TBC1D24-related disorder. Also called: TBC1D24-related condition; TBC1D24-related disorders. Identifiers: MedGen CN381194.

Submission:

PreventionGenetics, part of Exact Sciences
Classification: Uncertain significance for TBC1D24-related disorder. Last evaluated: 2025-02-05. Review status: criteria provided, single submitter. Criteria: ACMG Guidelines, 2015. Collection method: clinical testing. Allele origin: germline.
Comment: To our knowledge, this variant has not been reported in the literature or in a large population database (gnomAD), indicating this variant is rare. At this time, the clinical significance of this variant is uncertain due to the absence of conclusive functional and genetic evidence.